The following is an entry in ClinVar:

ClinVar aggregate classification (germline): Uncertain significance (1 of 4 stars; one submission).

Conditions:
Capillary malformation-arteriovenous malformation syndrome. Also called: Capillary malformation-arteriovenous malformation. Identifiers: Orphanet 137667, MedGen C1842180, MONDO:0012016.

gnomAD v4.1: 1 of 1,613,870 alleles (0.000062%); highest among the groups gnomAD compares: Non-Finnish European, 0.000085%; no homozygotes.

Submission:

Labcorp Genetics (formerly Invitae), Labcorp
Classification: Uncertain significance for Capillary malformation-arteriovenous malformation. Last evaluated: 2019-05-14. Review status: criteria provided, single submitter. Criteria: Invitae Variant Classification Sherloc (09022015). Collection method: clinical testing. Allele origin: germline.
Comment: This sequence change replaces serine with leucine at codon 219 of the RASA1 protein (p.Ser219Leu). The serine residue is highly conserved and there is a large physicochemical difference between serine and leucine. This variant is not present in population databases (ExAC no frequency). This variant has not been reported in the literature in individuals with RASA1-related conditions. Algorithms developed to predict the effect of missense changes on protein structure and function are either unavailable or do not agree on the potential impact of this missense change (SIFT: "Tolerated"; PolyPhen-2: "Probably Damaging"; Align-GVGD: "Class C0"). In summary, the available evidence is currently insufficient to determine the role of this variant in disease. Therefore, it has been classified as a Variant of Uncertain Significance.

NM_002890.3(RASA1):c.656C>T (p.Ser219Leu)

Genes: CCNH (cyclin H; minus strand), RASA1 (RAS p21 protein activator 1; plus strand). Cytogenetic location: 5q14.3.
Variant type: single nucleotide variant.
Coding change: c.656C>T on transcript NM_002890.3 (MANE Select); coding-DNA position 656, C replaced by T.
Protein change: p.Ser219Leu; replaces serine 219 with leucine.
Molecular consequence: missense variant. On other transcripts: intron variant (1).
Genome position (GRCh38, 1-based): chr5:87,331,464, C>T. VCF-style: chr5-87331464-C-T. GRCh37 (hg19) VCF-style: chr5-86627281-C-T.
Other names: c.125C>T, p.Ser42Leu (NM_022650.3); c.934-18669G>A (NM_001364075.2); short protein forms S42L, S219L.
Identifiers: ClinVar variation 946978 (VCV000946978.3), dbSNP rs1554044823, ClinGen allele CA360376168.